The following is an entry in ClinVar:

ClinVar aggregate classification (germline): Likely benign. Review status: criteria provided, multiple submitters, no conflicts (2 of 4 stars). 5 submissions from 5 submitters: Likely benign (4). 1 of the submissions does not count toward it. Last evaluated 2025-08-11.

Conditions:
AIFM1-related disorder. Also called: AIFM1-related condition.
Inborn genetic diseases. Identifiers: MedGen C0950123, MeSH D030342.
Combined oxidative phosphorylation deficiency. Identifiers: MedGen C4540031, MONDO:0000732.
Charcot-Marie-Tooth Neuropathy X. Identifiers: MedGen CN118851.

Allele frequency attached by ClinVar (database versions not stated): gnomAD exomes 0.00005 and 0.00016; ExAC 0.00017; 1000 Genomes Project 30x 0.00021; 1000 Genomes Project 0.00026; gnomAD 0.00037 and 0.00042; TOPMed 0.00053; ESP Exome Variant Server 0.00076.
gnomAD v4.1: 104 of 1,210,581 alleles (0.0086%); highest among the groups gnomAD compares: African/African-American, 0.16%; 1 homozygote.

Submissions (5):

Labcorp Genetics (formerly Invitae), Labcorp
Classification: Likely benign for Charcot-Marie-Tooth Neuropathy X; Combined oxidative phosphorylation deficiency. Last evaluated: 2025-08-11. Review status: criteria provided, single submitter. Criteria: Invitae Variant Classification Sherloc (09022015). Collection method: clinical testing. Allele origin: germline.

Blueprint Genetics
Classification: Likely benign. Last evaluated: 2021-12-29. Review status: criteria provided, single submitter. Criteria: ACMG Guidelines, 2015. Collection method: clinical testing. Allele origin: germline.

Ambry Genetics
Classification: Likely benign for Inborn genetic diseases. Last evaluated: 2021-11-09. Review status: criteria provided, single submitter. Criteria: Ambry Variant Classification Scheme 2023. Collection method: clinical testing. Allele origin: germline.

GeneDx
Classification: Likely benign. Last evaluated: 2021-06-23. Review status: criteria provided, single submitter. Criteria: GeneDx Variant Classification Process June 2021. Collection method: clinical testing. Allele origin: germline. Affected: yes.

PreventionGenetics, part of Exact Sciences
Classification: Likely benign for AIFM1-related condition. Last evaluated: 2020-07-15. Review status: no assertion criteria provided. Collection method: clinical testing. Allele origin: germline. Not counted in ClinVar's aggregate classification.
Comment: This variant is classified as likely benign based on ACMG/AMP sequence variant interpretation guidelines (Richards et al. 2015 PMID: 25741868, with internal and published modifications).

NM_004208.4(AIFM1):c.1543G>A (p.Asp515Asn)

Genes: RAB33A (RAB33A, member RAS oncogene family; plus strand), AIFM1 (apoptosis inducing factor mitochondria associated 1; minus strand). Cytogenetic location: Xq26.1.
Variant type: single nucleotide variant.
Coding change: c.1543G>A on transcript NM_004208.4 (MANE Select); coding-DNA position 1543, G replaced by A.
Protein change: p.Asp515Asn; replaces aspartic acid 515 with asparagine.
Molecular consequence: missense variant. On other transcripts: 3 prime UTR variant (1), non-coding transcript variant (1).
Genome position (GRCh38, 1-based): chrX:130,131,705, C>T on the plus strand (G>A on the coding strand, the complement: AIFM1 is on the minus strand). VCF-style: chrX-130131705-C-T. GRCh37 (hg19) VCF-style: chrX-129265680-C-T.
Other names: c.526G>A, p.Asp176Asn (NM_001130846.4); c.*771G>A (NM_001130847.4); c.1531G>A, p.Asp511Asn (NM_145812.3); short protein forms D515N, D176N, D511N.
Identifiers: ClinVar variation 511479 (VCV000511479.17), dbSNP rs144266307, ClinGen allele CA10515265.